The following is an entry in ClinVar:

NM_001351132.2(PEX5):c.1395C>T (p.Asp465=)

Gene: PEX5 (peroxisomal biogenesis factor 5; plus strand). Cytogenetic location: 12p13.31.
Variant type: single nucleotide variant.
Coding change: c.1395C>T on transcript NM_001351132.2 (MANE Select); coding-DNA position 1395, C replaced by T.
Protein change: p.Asp465=; no amino-acid change (aspartic acid 465 retained).
Molecular consequence: synonymous variant.
Genome position (GRCh38, 1-based): chr12:7,209,005, C>T. VCF-style: chr12-7209005-C-T. GRCh37 (hg19) VCF-style: chr12-7361601-C-T.
Other names: c.1371C>T, p.Asp457= (NM_000319.5); c.1440C>T, p.Asp480= (NM_001131023.2); c.1284C>T, p.Asp428= (NM_001131024.2, NM_001351124.3, NM_001351126.2 and 7 more transcripts); c.1395C>T, p.Asp465= (NM_001131025.2, NM_001131026.2, NM_001300789.3 and 4 more transcripts); c.1329C>T, p.Asp443= (NM_001351135.3, NM_001351138.2); c.1386C>T, p.Asp462= (NM_001351136.2); c.1260C>T, p.Asp420= (NM_001351139.2, NM_001351140.2, NM_001374649.2).
Identifiers: ClinVar variation 1991660 (VCV001991660.1), dbSNP rs772561166, ClinGen allele CA6426457.

ClinVar aggregate classification (germline): Uncertain significance (1 of 4 stars; one submission).

Conditions:
Peroxisome biogenesis disorder 2B (PBD2B). Identifiers: Orphanet 44, MedGen C3550234, MONDO:0008736, OMIM 202370.

gnomAD v4.1: 10 of 1,613,968 alleles (0.00062%); highest among the groups gnomAD compares: Non-Finnish European, 0.00034%; no homozygotes.

Submission:

Labcorp Genetics (formerly Invitae), Labcorp
Classification: Uncertain significance for Peroxisome biogenesis disorder 2B. Last evaluated: 2022-08-06. Review status: criteria provided, single submitter. Criteria: Invitae Variant Classification Sherloc (09022015). Collection method: clinical testing. Allele origin: germline.
Comment: This sequence change affects codon 465 of the PEX5 mRNA. It is a 'silent' change, meaning that it does not change the encoded amino acid sequence of the PEX5 protein. It affects a nucleotide within the consensus splice site. This variant is present in population databases (rs772561166, gnomAD 0.009%). This variant has not been reported in the literature in individuals affected with PEX5-related conditions. Algorithms developed to predict the effect of sequence changes on RNA splicing suggest that this variant is not likely to affect RNA splicing. In summary, the available evidence is currently insufficient to determine the role of this variant in disease. Therefore, it has been classified as a Variant of Uncertain Significance.